The following is an entry in ClinVar:

ClinVar aggregate classification (germline): Benign (0 of 4 stars; one submission).

Conditions:
PHF3-related disorder. Also called: PHF3-related condition.

Allele frequency attached by ClinVar (database versions not stated): 1000 Genomes Project 0.00319; 1000 Genomes Project 30x 0.00328; TOPMed 0.00830; gnomAD 0.01009; ESP Exome Variant Server 0.01034; ExAC 0.01066; gnomAD exomes 0.01409.

Submission:

PreventionGenetics, part of Exact Sciences
Classification: Benign for PHF3-related condition. Last evaluated: 2019-09-05. Review status: no assertion criteria provided. Collection method: clinical testing. Allele origin: germline.
Comment: This variant is classified as benign based on ACMG/AMP sequence variant interpretation guidelines (Richards et al. 2015 PMID: 25741868, with internal and published modifications).

NM_001370348.2(PHF3):c.407-9_407-8del

Gene: PHF3 (PHD finger protein 3; plus strand). Cytogenetic location: 6q12.
Variant type: Deletion.
Coding change: c.407-9_407-8del on transcript NM_001370348.2 (MANE Select); 9 bases into the intron before coding-DNA position 407 through 8 bases into the intron before coding-DNA position 407, 2 bases deleted (CT; older notation c.407-9_407-8delCT).
Molecular consequence: intron variant.
Genome position (GRCh38, 1-based): chr6:63,684,120-63,684,121, CT deleted. VCF-style (leftmost placement, unchanged base first): chr6-63684119-CCT-C. GRCh37 (hg19) VCF-style: chr6-64394020-CCT-C.
Other names: c.143-9_143-8del (NM_001290259.2, NM_001370349.2); c.-5+3959_-5+3960del (NM_001370350.2); c.407-9_407-8del (NM_001290260.2, NM_015153.4).
Identifiers: ClinVar variation 3037746 (VCV003037746.2), dbSNP rs138127805, ClinGen allele CA3875502.